The following is an entry in ClinVar:

NM_001048174.2(MUTYH):c.-6-2A>T

Gene: MUTYH (mutY DNA glycosylase; minus strand). Cytogenetic location: 1p34.1.
Variant type: single nucleotide variant.
Coding change: c.-6-2A>T on transcript NM_001048174.2 (MANE Select); the canonical splice acceptor site of the intron before 6 bases upstream of the start codon, A replaced by T.
Molecular consequence: splice acceptor variant.
Genome position (GRCh38, 1-based): chr1:45,334,513, T>A on the plus strand (A>T on the coding strand, the complement: MUTYH is on the minus strand). VCF-style: chr1-45334513-T-A. GRCh37 (hg19) VCF-style: chr1-45800185-T-A.
Other names: c.-6-2A>T (NM_001407072.1, NM_001048171.2, NM_001407070.1 and 15 more transcripts); c.-213-2A>T (NM_001350651.2, NM_001407082.1); c.-218-2A>T (NM_001293192.2, NM_001293196.2, NM_001407091.1); c.-277-2A>T (NM_001350650.2); c.37-2A>T (NM_001407073.1, NM_001293190.2, NM_001407069.1 and 2 more transcripts); c.-162-2A>T (NM_001407075.1); c.13-2A>T (NM_001407087.1).
Identifiers: ClinVar variation 2091569 (VCV002091569.4), dbSNP rs1383826978, ClinGen allele CA340137351.
Genomic context (GRCh38, chr1:45,334,513, plus strand): 5'-CTGGCTGCCTGCTTCCTGTGACCACTTCCCACGGCTGCTCGTGGCTTCCTCATGATGGCC[T>A]GAAACAAAAAGACCCAGCCAAAGCAGTCAGTCACAATGAGGCCAAATTTTGAGGCCTTCC-3'

ClinVar aggregate classification (germline): Likely pathogenic (1 of 4 stars; one submission).

Conditions:
Familial adenomatous polyposis 2. Also called: MUTYH Polyposis; COLORECTAL ADENOMATOUS POLYPOSIS, AUTOSOMAL RECESSIVE; ADENOMAS, MULTIPLE COLORECTAL, AUTOSOMAL RECESSIVE; MUTYH-associated polyposis; MYH-associated polyposis; MUTYH-related attenuated familial adenomatous polyposis. Identifiers: Orphanet 220460, Orphanet 247798, MedGen C3272841, MONDO:0012041, OMIM 608456.

Submission:

Labcorp Genetics (formerly Invitae), Labcorp
Classification: Likely pathogenic for Familial adenomatous polyposis 2. Last evaluated: 2022-02-01. Review status: criteria provided, single submitter. Criteria: Invitae Variant Classification Sherloc (09022015). Collection method: clinical testing. Allele origin: germline.
Comment: In summary, the currently available evidence indicates that the variant is pathogenic, but additional data are needed to prove that conclusively. Therefore, this variant has been classified as Likely Pathogenic. Algorithms developed to predict the effect of sequence changes on RNA splicing suggest that this variant may disrupt the consensus splice site. This variant has not been reported in the literature in individuals affected with MUTYH-related conditions. This variant is not present in population databases (gnomAD no frequency). This sequence change affects an acceptor splice site in intron 1 of the MUTYH gene. It is expected to disrupt RNA splicing. Variants that disrupt the donor or acceptor splice site typically lead to a loss of protein function (PMID: 16199547), and loss-of-function variants in MUTYH are known to be pathogenic (PMID: 18534194, 20663686).

Literature cited by the submitters: PubMed 16199547; PubMed 18534194; PubMed 20663686.